The following is an entry in ClinVar:

ClinVar aggregate classification (germline): Uncertain significance. Review status: criteria provided, multiple submitters, no conflicts (2 of 4 stars). 2 submissions from 2 submitters: Uncertain significance (2). Last evaluated 2025-10-26.

Conditions:
Cardiovascular phenotype. Identifiers: MedGen CN230736.
Hereditary cancer-predisposing syndrome. Also called: Tumor predisposition; Hereditary neoplastic syndrome; Hereditary Cancer Syndrome; Neoplastic Syndromes, Hereditary. Identifiers: Orphanet 140162, MedGen C0027672, MeSH D009386, MONDO:0015356.

Allele frequency attached by ClinVar (database versions not stated): TOPMed 0.00001.
gnomAD v4.1: 1 of 1,612,944 alleles (0.000062%); highest among the groups gnomAD compares: African/African-American, 0.0013%; no homozygotes.

Submissions (2):

Labcorp Genetics (formerly Invitae), Labcorp
Classification: Uncertain significance. Last evaluated: 2025-10-26. Review status: criteria provided, single submitter. Criteria: Invitae Variant Classification Sherloc (09022015). Collection method: clinical testing. Allele origin: germline.
Comment: This sequence change replaces isoleucine, which is neutral and non-polar, with threonine, which is neutral and polar, at codon 570 of the LZTR1 protein (p.Ile570Thr). This variant is not present in population databases (gnomAD no frequency). This variant has not been reported in the literature in individuals affected with LZTR1-related conditions. ClinVar contains an entry for this variant (Variation ID: 964422). Invitae Evidence Modeling of protein sequence and biophysical properties (such as structural, functional, and spatial information, amino acid conservation, physicochemical variation, residue mobility, and thermodynamic stability) indicates that this missense variant is not expected to disrupt LZTR1 protein function with a negative predictive value of 80%. In summary, the available evidence is currently insufficient to determine the role of this variant in disease. Therefore, it has been classified as a Variant of Uncertain Significance.

Ambry Genetics
Classification: Uncertain significance for Cardiovascular phenotype; Hereditary cancer-predisposing syndrome. Last evaluated: 2024-09-25. Review status: criteria provided, single submitter. Criteria: Ambry Variant Classification Scheme 2023. Collection method: clinical testing. Allele origin: germline.
Comment: The p.I570T variant (also known as c.1709T>C), located in coding exon 15 of the LZTR1 gene, results from a T to C substitution at nucleotide position 1709. The isoleucine at codon 570 is replaced by threonine, an amino acid with similar properties. This amino acid position is highly conserved in available vertebrate species. In addition, the in silico prediction for this alteration is inconclusive. Based on the available evidence, the clinical significance of this variant remains unclear.

NM_006767.4(LZTR1):c.1709T>C (p.Ile570Thr)

Gene: LZTR1 (leucine zipper like post translational regulator 1; plus strand). Cytogenetic location: 22q11.21.
Variant type: single nucleotide variant.
Coding change: c.1709T>C on transcript NM_006767.4 (MANE Select); coding-DNA position 1709, T replaced by C.
Protein change: p.Ile570Thr; replaces isoleucine 570 with threonine.
Molecular consequence: missense variant.
Genome position (GRCh38, 1-based): chr22:20,994,651, T>C. VCF-style: chr22-20994651-T-C. GRCh37 (hg19) VCF-style: chr22-21348940-T-C.
Other names: short protein forms I570T.
Identifiers: ClinVar variation 964422 (VCV000964422.13), dbSNP rs954974816, ClinGen allele CA322269758.
Genomic context (GRCh38, chr22:20,994,651, plus strand): 5'-TGTACAAACTGGCACTGAGCTTCCAGTTGTGCCGCCTGGAGCAGCTGTGCCGCCAGTACA[T>C]CGAGGCCTCCGTGGACCTGCAGAACGTGCTGGTTGTGTGCGAGAGTGCCGCCCGGCTGCA-3'
Protein context (NP_006758.2, residues 560-580): CRLEQLCRQY[Ile570Thr]EASVDLQNVL